The following is an entry in ClinVar:

NM_203447.4(DOCK8):c.367C>G (p.Gln123Glu)

Gene: DOCK8 (dedicator of cytokinesis 8; plus strand). Cytogenetic location: 9p24.3.
Variant type: single nucleotide variant.
Coding change: c.367C>G on transcript NM_203447.4 (MANE Select); coding-DNA position 367, C replaced by G.
Protein change: p.Gln123Glu; replaces glutamine 123 with glutamic acid.
Molecular consequence: missense variant.
Genome position (GRCh38, 1-based): chr9:289,544, C>G. VCF-style: chr9-289544-C-G. GRCh37 (hg19) VCF-style: chr9-289544-C-G.
Other names: c.163C>G, p.Gln55Glu (NM_001190458.2, NM_001193536.2); short protein forms Q55E, Q123E.
Identifiers: ClinVar variation 645502 (VCV000645502.6), dbSNP rs1325722127, ClinGen allele CA372757206.
Genomic context (GRCh38, chr9:289,544, plus strand): 5'-GTTTATTTCATTTTCTACCTCATTAGGGTTGAACTGGACCCTCATGTCAGGGACTGTGTT[C>G]AGACCTACATCCGTGAGTGGCTAATCGTGAACCGGAAGTAAGTTACTTTTTTTCCACTTT-3'
Protein context (NP_982272.2, residues 113-133): ELDPHVRDCV[Gln123Glu]TYIREWLIVN

ClinVar aggregate classification (germline): Uncertain significance (1 of 4 stars; one submission).

Conditions:
Combined immunodeficiency due to DOCK8 deficiency (HIES2). Also called: Hyper-IgE recurrent infection syndrome, autosomal recessive; HYPER-IgE SYNDROME 2, AUTOSOMAL RECESSIVE, WITH RECURRENT INFECTIONS; HIES autosomal recessive; DOCK8 Deficiency; HYPER-IgE RECURRENT INFECTION SYNDROME 2, AUTOSOMAL RECESSIVE. Identifiers: Orphanet 217390, MedGen C4722305, MONDO:0009478, OMIM 243700.

Allele frequency attached by ClinVar (database versions not stated): gnomAD exomes below 0.00001 and 0.00001; gnomAD 0.00001.
gnomAD v4.1: 8 of 1,613,270 alleles (0.0005%); highest among the groups gnomAD compares: Non-Finnish European, 0.00068%; no homozygotes.

Submission:

Labcorp Genetics (formerly Invitae), Labcorp
Classification: Uncertain significance for Combined immunodeficiency due to DOCK8 deficiency. Last evaluated: 2021-08-24. Review status: criteria provided, single submitter. Criteria: Invitae Variant Classification Sherloc (09022015). Collection method: clinical testing. Allele origin: germline.
Comment: This sequence change replaces glutamine with glutamic acid at codon 123 of the DOCK8 protein (p.Gln123Glu). The glutamine residue is moderately conserved and there is a small physicochemical difference between glutamine and glutamic acid. This variant is not present in population databases (ExAC no frequency). This variant has not been reported in the literature in individuals affected with DOCK8-related conditions. Algorithms developed to predict the effect of missense changes on protein structure and function (SIFT, PolyPhen-2, Align-GVGD) all suggest that this variant is likely to be tolerated. In summary, the available evidence is currently insufficient to determine the role of this variant in disease. Therefore, it has been classified as a Variant of Uncertain Significance.